The following is an entry in ClinVar:

ClinVar aggregate classification (germline): Likely benign. Review status: criteria provided, multiple submitters, no conflicts (2 of 4 stars). 5 submissions from 5 submitters: Likely benign (4). 1 of the submissions does not count toward it. Last evaluated 2024-11-11.

Conditions:
TET2-related disorder. Also called: TET2-related condition.

Allele frequency attached by ClinVar (database versions not stated): gnomAD 0.00003; gnomAD exomes 0.00004; ExAC 0.00005; TOPMed 0.00005.
gnomAD v4.1: 61 of 1,551,508 alleles (0.0039%); highest among the groups gnomAD compares: Middle Eastern, 0.17%; no homozygotes.

Submissions (5):

Labcorp Genetics (formerly Invitae), Labcorp
Classification: Likely benign. Last evaluated: 2024-11-11. Review status: criteria provided, single submitter. Criteria: Invitae Variant Classification Sherloc (09022015). Collection method: clinical testing. Allele origin: germline.

CeGaT Center for Human Genetics Tuebingen
Classification: Likely benign. Last evaluated: 2022-03-01. Review status: criteria provided, single submitter. Criteria: CeGaT Center For Human Genetics Tuebingen Variant Classification Criteria Version 2. Collection method: clinical testing. Allele origin: germline. Affected: yes. Observed: 1 variant allele.
Comment: TET2: BP4, BP7

Genetic Services Laboratory, University of Chicago
Classification: Likely benign. Last evaluated: 2021-08-17. Review status: criteria provided, single submitter. Criteria: ACMG Guidelines, 2015. Collection method: clinical testing. Allele origin: germline. Affected: no.

Breakthrough Genomics
Classification: Likely benign. Review status: criteria provided, single submitter. Criteria: ACMG Guidelines, 2015. Collection method: not provided. Allele origin: germline. Inheritance: Autosomal recessive inheritance. Affected: yes.

PreventionGenetics, part of Exact Sciences
Classification: Likely benign for TET2-related condition. Last evaluated: 2021-07-20. Review status: no assertion criteria provided. Collection method: clinical testing. Allele origin: germline. Not counted in ClinVar's aggregate classification.
Comment: This variant is classified as likely benign based on ACMG/AMP sequence variant interpretation guidelines (Richards et al. 2015 PMID: 25741868, with internal and published modifications).

NM_001127208.3(TET2):c.4965G>A (p.Pro1655=)

Genes: TET2 (tet methylcytosine dioxygenase 2; plus strand), TET2-AS1 (TET2 antisense RNA 1; minus strand). Cytogenetic location: 4q24.
Variant type: single nucleotide variant.
Coding change: c.4965G>A on transcript NM_001127208.3 (MANE Select); coding-DNA position 4965, G replaced by A.
Protein change: p.Pro1655=; no amino-acid change (proline 1655 retained).
Molecular consequence: synonymous variant.
Genome position (GRCh38, 1-based): chr4:105,275,475, G>A. VCF-style: chr4-105275475-G-A. GRCh37 (hg19) VCF-style: chr4-106196632-G-A.
Identifiers: ClinVar variation 1338064 (VCV001338064.34), dbSNP rs755125847, ClinGen allele CA3032240.